The following is an entry in ClinVar:

NM_144705.4(TEKT4):c.726G>A (p.Pro242=)

Genes: TEKT4 (tektin 4; plus strand), LOC442028 (uncharacterized LOC442028; minus strand). Cytogenetic location: 2q11.1.
Variant type: single nucleotide variant.
Coding change: c.726G>A on transcript NM_144705.4 (MANE Select); coding-DNA position 726, G replaced by A.
Protein change: p.Pro242=; no amino-acid change (proline 242 retained).
Molecular consequence: synonymous variant.
Genome position (GRCh38, 1-based): chr2:94,874,788, G>A. VCF-style: chr2-94874788-G-A. GRCh37 (hg19) VCF-style: chr2-95540533-G-A.
Other names: c.180G>A, p.Pro60= (NM_001286559.2).
Identifiers: ClinVar variation 4873218 (VCV004873218.2).

ClinVar aggregate classification (germline): Likely benign (1 of 4 stars; one submission).

gnomAD v4.1: 82 of 1,583,514 alleles (0.0052%); highest among the groups gnomAD compares: East Asian, 0.1%; no homozygotes.

Submission:

CeGaT Center for Human Genetics Tuebingen
Classification: Likely benign. Last evaluated: 2026-04-01. Review status: criteria provided, single submitter. Criteria: CeGaT Center For Human Genetics Tuebingen Variant Classification Criteria Version 2. Collection method: clinical testing. Allele origin: germline. Affected: yes. Observed: 1 variant allele.
Comment: TEKT4: BP4, BP7